The following is an entry in ClinVar:

NM_000122.2(ERCC3):c.1319T>C (p.Leu440Pro)

Gene: ERCC3 (ERCC excision repair 3, TFIIH core complex helicase subunit; minus strand). Cytogenetic location: 2q14.3.
Variant type: single nucleotide variant.
Coding change: c.1319T>C on transcript NM_000122.2 (MANE Select); coding-DNA position 1319, T replaced by C.
Protein change: p.Leu440Pro; replaces leucine 440 with proline.
Molecular consequence: missense variant.
Genome position (GRCh38, 1-based): chr2:127,286,726, A>G on the plus strand (T>C on the coding strand, the complement: ERCC3 is on the minus strand). VCF-style: chr2-127286726-A-G. GRCh37 (hg19) VCF-style: chr2-128044302-A-G.
Other names: c.1127T>C, p.Leu376Pro (NM_001303416.2, NM_001303418.2); short protein forms L376P, L440P.
Identifiers: ClinVar variation 1990995 (VCV001990995.6), dbSNP rs947992601, ClinGen allele CA55337002.

ClinVar aggregate classification (germline): Uncertain significance. Review status: criteria provided, multiple submitters, no conflicts (2 of 4 stars). 2 submissions from 2 submitters: Uncertain significance (2). Last evaluated 2025-03-17.

Allele frequency attached by ClinVar (database versions not stated): gnomAD exomes below 0.00001; TOPMed below 0.00001.
gnomAD v4.1: 1 of 1,614,068 alleles (0.000062%); highest among the groups gnomAD compares: East Asian, 0.0022%; no homozygotes.

Submissions (2):

Dasa
Classification: Uncertain significance. Last evaluated: 2025-03-17. Review status: criteria provided, single submitter. Criteria: DASA Assertion Criteria. Collection method: clinical testing. Allele origin: germline.
Comment: NM_000122.2(ERCC3):c.1319T>C (p.Leu440Pro) is a missense variant that results in the substitution of leucine with proline. This variant is rare in population databases. Computational prediction algorithms are consistent with a deleterious effect. The currently available literature and clinical evidence are not sufficient to establish a definitive association between this variant and the reported condition. Therefore, this variant is classified as a variant of uncertain significance.

Labcorp Genetics (formerly Invitae), Labcorp
Classification: Uncertain significance. Last evaluated: 2024-01-22. Review status: criteria provided, single submitter. Criteria: Invitae Variant Classification Sherloc (09022015). Collection method: clinical testing. Allele origin: germline.
Comment: This sequence change replaces leucine, which is neutral and non-polar, with proline, which is neutral and non-polar, at codon 440 of the ERCC3 protein (p.Leu440Pro). This variant is not present in population databases (gnomAD no frequency). This variant has not been reported in the literature in individuals affected with ERCC3-related conditions. ClinVar contains an entry for this variant (Variation ID: 1990995). Advanced modeling of protein sequence and biophysical properties (such as structural, functional, and spatial information, amino acid conservation, physicochemical variation, residue mobility, and thermodynamic stability) performed at Invitae indicates that this missense variant is expected to disrupt ERCC3 protein function with a positive predictive value of 80%. In summary, the available evidence is currently insufficient to determine the role of this variant in disease. Therefore, it has been classified as a Variant of Uncertain Significance.